The following is an entry in ClinVar:

NM_001042492.3(NF1):c.551A>G (p.Asn184Ser)

Gene: NF1 (neurofibromin 1; plus strand). Cytogenetic location: 17q11.2.
Variant type: single nucleotide variant.
Coding change: c.551A>G on transcript NM_001042492.3 (MANE Select); coding-DNA position 551, A replaced by G.
Protein change: p.Asn184Ser; replaces asparagine 184 with serine.
Molecular consequence: missense variant.
Genome position (GRCh38, 1-based): chr17:31,169,962, A>G. VCF-style: chr17-31169962-A-G. GRCh37 (hg19) VCF-style: chr17-29496980-A-G.
Other names: c.551A>G, p.Asn184Ser (NM_000267.4, NM_001128147.3); short protein forms N184S.
Identifiers: ClinVar variation 232575 (VCV000232575.16), dbSNP rs876659849, ClinGen allele CA10580194.
Genomic context (GRCh38, chr17:31,169,962, plus strand): 5'-TAACTGTTTGTTCAGAAGACAATGTTGATGTTCATGATATAGAATTGTTACAGTATATCA[A>G]TGTGGATTGTGCAAAATTAAAACGACTCCTGAAGGGTAAGTTTAAATGTATAATATATCT-3'
Protein context (NP_001035957.1, residues 174-194): VHDIELLQYI[Asn184Ser]VDCAKLKRLL

ClinVar aggregate classification (germline): Conflicting classifications of pathogenicity. Review status: criteria provided, conflicting classifications (1 of 4 stars). 8 submissions from 7 submitters: Uncertain significance (5); Benign (1); Likely benign (1). 1 of the submissions does not count toward it. Last evaluated 2025-12-09.

Conditions:
Cardiovascular phenotype. Identifiers: MedGen CN230736.
Hereditary cancer-predisposing syndrome. Also called: Hereditary Cancer Syndrome; Neoplastic Syndromes, Hereditary; Tumor predisposition; Hereditary neoplastic syndrome. Identifiers: Orphanet 140162, MedGen C0027672, MeSH D009386, MONDO:0015356.
NF1-related disorder. Also called: NF1-related condition. Identifiers: MedGen CN379171.
Café-au-lait macules with pulmonary stenosis (WTSN). Also called: PULMONIC STENOSIS WITH CAFE-AU-LAIT SPOTS. Identifiers: MedGen C0553586, MONDO:0008672, OMIM 193520.
Juvenile myelomonocytic leukemia (JMML). Also called: LEUKEMIA, JUVENILE MYELOMONOCYTIC, SOMATIC. Identifiers: Orphanet 86834, MedGen C0349639, MONDO:0011908, OMIM 607785, HP:0012209.
Neurofibromatosis-Noonan syndrome (NFNS). Also called: NEUROFIBROMATOSIS WITH NOONAN PHENOTYPE. Identifiers: Orphanet 638, MedGen C2931482, MONDO:0011035, OMIM 601321. Disease mechanism: loss of function.
Neurofibromatosis, familial spinal (FSNF). Identifiers: Orphanet 636, MedGen C1834235, MONDO:0008078, OMIM 162210. Disease mechanism: loss of function.
Neurofibromatosis, type 1 (NF1). Also called: Neurofibromatosis, type I; VON RECKLINGHAUSEN DISEASE; NEUROFIBROMATOSIS, TYPE I, SOMATIC; Peripheral type neurofibromatosis. Identifiers: Orphanet 636, MedGen C0027831, MONDO:0018975, OMIM 162200. Disease mechanism: loss of function.

Allele frequency attached by ClinVar (database versions not stated): gnomAD exomes below 0.00001; gnomAD 0.00001.
gnomAD v4.1: 6 of 1,313,080 alleles (0.00046%); highest among the groups gnomAD compares: East Asian, 0.0055%; no homozygotes.

Submissions (8):

Labcorp Genetics (formerly Invitae), Labcorp
Classification: Benign for Neurofibromatosis, type 1. Last evaluated: 2025-12-09. Review status: criteria provided, single submitter. Criteria: Invitae Variant Classification Sherloc (09022015). Collection method: clinical testing. Allele origin: germline.

Quest Diagnostics Nichols Institute San Juan Capistrano
Classification: Uncertain significance. Last evaluated: 2025-10-21. Review status: criteria provided, single submitter. Criteria: Quest Diagnostics criteria. Collection method: clinical testing. Allele origin: unknown.

Fulgent Genetics
Classification: Uncertain significance for Neurofibromatosis, type 1; Neurofibromatosis, familial spinal; Café-au-lait macules with pulmonary stenosis; Neurofibromatosis-Noonan syndrome; Juvenile myelomonocytic leukemia. Last evaluated: 2024-02-27. Review status: criteria provided, single submitter. Criteria: ACMG Guidelines, 2015. Collection method: clinical testing. Allele origin: germline.

Ambry Genetics
Classification: Likely benign for Cardiovascular phenotype; Hereditary cancer-predisposing syndrome. Last evaluated: 2022-12-22. Review status: criteria provided, single submitter. Criteria: Ambry Variant Classification Scheme 2023. Collection method: clinical testing. Allele origin: germline.

Genome-Nilou Lab
Classification: Uncertain significance for Neurofibromatosis, type 1. Last evaluated: 2022-03-15. Review status: criteria provided, single submitter. Criteria: ACMG Guidelines, 2015. Collection method: clinical testing. Allele origin: germline. Affected: no.

Sema4
Classification: Uncertain significance for Hereditary cancer-predisposing syndrome. Last evaluated: 2021-08-18. Review status: criteria provided, single submitter. Criteria: Sema4 Curation Guidelines. Collection method: curation. Allele origin: germline.
Comment: The NF1 c.551A>G (p.N184S) variant has been reported in heterozygosity in at least one individual with breast cancer and in unaffected controls (PMID: 30287823). It was observed in 1/1560 chromosomes of the East Asian subpopulation in the large and broad cohorts of the Genome Aggregation Database (PMID: 32461654). The variant has been reported in ClinVar (Variation ID 232575). Functional studies have not been performed, and in silico predictions of the variant's effect on protein function are inconclusive. The evidence is insufficient to meet ACMG/AMP criteria for classifying the variant as benign or pathogenic. Thus, the clinical significance of this variant is currently uncertain.

Ambry Genetics
Classification: Uncertain significance for Hereditary cancer-predisposing syndrome. Last evaluated: 2015-06-30. Review status: criteria provided, single submitter. Criteria: Ambry Autosomal Dominant and X-Linked criteria (10/2015). Collection method: clinical testing. Allele origin: germline. Observed: 1 variant allele.
Comment: The p.N184S variant (also known as c.551A>G), located in coding exon 5 of the NF1 gene, results from an A to G substitution at nucleotide position 551. The asparagine at codon 184 is replaced by serine, an amino acid with highly similar properties. This variant was not reported in population based cohorts in the following databases: Database of Single Nucleotide Polymorphisms (dbSNP), NHLBI Exome Sequencing Project (ESP), and 1000 Genomes Project. In the ESP, this variant was not observed in 6502 samples (13004 alleles) with coverage at this position. To date, this alteration has been detected with an allele frequency of approximately 0.002% (greater than 55000 alleles tested) in our clinical cohort.This amino acid position is well conserved in available vertebrate species. In addition, this alteration is predicted to be tolerated by in silico analysis.Since supporting evidence is limited at this time, the clinical significance of p.N184S remains unclear.

PreventionGenetics, part of Exact Sciences
Classification: Uncertain significance for NF1-related condition. Last evaluated: 2024-08-15. Review status: no assertion criteria provided. Collection method: clinical testing. Allele origin: germline. Not counted in ClinVar's aggregate classification.
Comment: The NF1 c.551A>G variant is predicted to result in the amino acid substitution p.Asn184Ser. This variant is also referred to as c.551A>G (p.Asn184Ser) on an alternate transcript (NM_000267). This variant was reported as a germline variant with uncertain significance in female and male patients with breast cancer, however it was also identified in the male control population (Supplementary Tables 1 and 2, Momozawa et al. 2018. PubMed ID: 30287823). This variant is reported in 0.064% of alleles in individuals of East Asian descent in gnomAD and is reported as a variant of uncertain significance in ClinVar. Although we suspect that this variant may be benign, at this time, the clinical significance of this variant is uncertain due to the absence of conclusive functional and genetic evidence.

Literature cited by the submitters: PubMed 30287823 (cited by Sema4).